The following is an entry in ClinVar:

ClinVar aggregate classification (germline): Uncertain significance (1 of 4 stars; one submission).

Conditions:
Baller-Gerold syndrome (BGS). Also called: CRANIOSYNOSTOSIS WITH RADIAL DEFECTS. Identifiers: Orphanet 1225, MedGen C0265308, MONDO:0009039, OMIM 218600.

Allele frequency attached by ClinVar (database versions not stated): TOPMed below 0.00001.

Submission:

Labcorp Genetics (formerly Invitae), Labcorp
Classification: Uncertain significance for Baller-Gerold syndrome. Last evaluated: 2020-10-06. Review status: criteria provided, single submitter. Criteria: Invitae Variant Classification Sherloc (09022015). Collection method: clinical testing. Allele origin: germline.
Comment: This variant is not present in population databases (ExAC no frequency). This sequence change replaces leucine with methionine at codon 791 of the RECQL4 protein (p.Leu791Met). The leucine residue is highly conserved and there is a small physicochemical difference between leucine and methionine. In summary, the available evidence is currently insufficient to determine the role of this variant in disease. Therefore, it has been classified as a Variant of Uncertain Significance. Experimental studies and prediction algorithms are not available or were not evaluated, and the functional significance of this variant is currently unknown. This variant has not been reported in the literature in individuals with RECQL4-related conditions.

NM_004260.4(RECQL4):c.2371C>A (p.Leu791Met)

Gene: RECQL4 (RecQ like helicase 4; minus strand). Cytogenetic location: 8q24.3.
Variant type: single nucleotide variant.
Coding change: c.2371C>A on transcript NM_004260.4 (MANE Select); coding-DNA position 2371, C replaced by A.
Protein change: p.Leu791Met; replaces leucine 791 with methionine.
Molecular consequence: missense variant.
Genome position (GRCh38, 1-based): chr8:144,513,310, G>T on the plus strand (C>A on the coding strand, the complement: RECQL4 is on the minus strand). VCF-style: chr8-144513310-G-T. GRCh37 (hg19) VCF-style: chr8-145738693-G-T.
Other names: short protein forms L791M.
Identifiers: ClinVar variation 1010951 (VCV001010951.5), dbSNP rs1240837003, ClinGen allele CA372678267.
Genomic context (GRCh38, chr8:144,513,310, plus strand): 5'-GCTGCCCGTCACGCCCGGCCCGGCCCACGGCCTGCACGTAGCTCTCGAAGCTTGGGGGCA[G>T]CCCCAGATGCAGCACAGCCCGCACATCTGGCCGGTCCAGCCCCATCCCAAAGGCCACCGT-3'
Protein context (NP_004251.4, residues 781-801): PDVRAVLHLG[Leu791Met]PPSFESYVQA